The following is an entry in ClinVar:

ClinVar aggregate classification (germline): Conflicting classifications of pathogenicity. Review status: criteria provided, conflicting classifications (1 of 4 stars). 3 submissions from 3 submitters: Likely pathogenic (2); Uncertain significance (1). Last evaluated 2024-05-30.

Conditions:
Fatal mitochondrial disease due to combined oxidative phosphorylation defect type 3. Also called: Combined oxidative phosphorylation deficiency 3; ENCEPHALOMYOPATHY, RESPIRATORY FAILURE, AND LACTIC ACIDOSIS. Identifiers: Orphanet 168566, MedGen C1864840, MONDO:0012512, OMIM 610505.

Allele frequency attached by ClinVar (database versions not stated): TOPMed 0.00001.

Submissions (3):

Fulgent Genetics
Classification: Likely pathogenic for Fatal mitochondrial disease due to combined oxidative phosphorylation defect type 3. Last evaluated: 2024-05-30. Review status: criteria provided, single submitter. Criteria: ACMG Guidelines, 2015. Collection method: clinical testing. Allele origin: germline.

GeneDx
Classification: Likely pathogenic. Last evaluated: 2024-05-17. Review status: criteria provided, single submitter. Criteria: GeneDx Variant Classification Process June 2021. Collection method: clinical testing. Allele origin: germline. Affected: yes.
Comment: Published RNA studies suggest that this variant may lead to formation to a shorter transcript due to skipping of exon 6 (PMID: 31267352); Not observed at significant frequency in large population cohorts (gnomAD); This variant is associated with the following publications: (PMID: 31377874, 31267352, 34277617, 26968897)

Labcorp Genetics (formerly Invitae), Labcorp
Classification: Uncertain significance. Last evaluated: 2023-08-31. Review status: criteria provided, single submitter. Criteria: Invitae Variant Classification Sherloc (09022015). Collection method: clinical testing. Allele origin: germline.
Comment: In summary, the available evidence is currently insufficient to determine the role of this variant in disease. Therefore, it has been classified as a Variant of Uncertain Significance. Studies have shown that this missense change results in skipping of exon 6 and introduces a new termination codon (PMID: 31267352). However the mRNA is not expected to undergo nonsense-mediated decay. An algorithm developed to predict the effect of missense changes on protein structure and function (PolyPhen-2) suggests that this variant¬¨‚Ä†is likely to be tolerated. This missense change has been observed in individual(s) with clinical features of TSFM-related conditions (PMID: 31267352). This variant is not present in population databases (gnomAD no frequency). This sequence change replaces glycine, which is neutral and non-polar, with serine, which is neutral and polar, at codon 183 of the TSFM protein (p.Gly183Ser). RNA analysis indicates that this missense change induces altered splicing and likely disrupts the C-terminus of the protein.

Literature cited by the submitters: PubMed 31267352 (cited by Labcorp Genetics (formerly Invitae), Labcorp).

NM_005726.6(TSFM):c.484G>A (p.Gly162Ser)

Gene: TSFM (Ts translation elongation factor, mitochondrial; plus strand). Cytogenetic location: 12q14.1.
Variant type: single nucleotide variant.
Coding change: c.484G>A on transcript NM_005726.6 (MANE Select); coding-DNA position 484, G replaced by A.
Protein change: p.Gly162Ser; replaces glycine 162 with serine.
Molecular consequence: missense variant. On other transcripts: intron variant (1).
Genome position (GRCh38, 1-based): chr12:57,792,986, G>A. VCF-style: chr12-57792986-G-A. GRCh37 (hg19) VCF-style: chr12-58186769-G-A.
Other names: c.547G>A, p.Gly183Ser (NM_001172696.2); c.484G>A, p.Gly162Ser (NM_001172697.2); c.484-3191G>A (NM_001172695.2); c.547G>A (NM_001172696.1); short protein forms G162S, G183S.
Identifiers: ClinVar variation 2679356 (VCV002679356.6), dbSNP rs1180813038, ClinGen allele CA385528878.